The following is an entry in ClinVar:

ClinVar aggregate classification (germline): Uncertain significance (0 of 4 stars; one submission).

Conditions:
MAP7D3-related disorder. Also called: MAP7D3-related condition.

gnomAD v4.1: 41 of 1,179,445 alleles (0.0035%); highest among the groups gnomAD compares: Non-Finnish European, 0.0043%; no homozygotes.

Submission:

PreventionGenetics, part of Exact Sciences
Classification: Uncertain significance for MAP7D3-related condition. Last evaluated: 2024-09-21. Review status: no assertion criteria provided. Collection method: clinical testing. Allele origin: germline.
Comment: The MAP7D3 c.2167A>G variant is predicted to result in the amino acid substitution p.Arg723Gly. To our knowledge, this variant has not been reported in the literature. This variant is reported in 0.0013% of alleles in individuals of European (Non-Finnish) descent in gnomAD. Although we suspect that this variant may be benign, at this time, the clinical significance of this variant is uncertain due to the absence of conclusive functional and genetic evidence.

NM_024597.4(MAP7D3):c.2167A>G (p.Arg723Gly)

Gene: MAP7D3 (MAP7 domain containing 3; minus strand). Cytogenetic location: Xq26.3.
Variant type: single nucleotide variant.
Coding change: c.2167A>G on transcript NM_024597.4 (MANE Select); coding-DNA position 2167, A replaced by G.
Protein change: p.Arg723Gly; replaces arginine 723 with glycine.
Molecular consequence: missense variant.
Genome position (GRCh38, 1-based): chrX:136,224,853, T>C on the plus strand (A>G on the coding strand, the complement: MAP7D3 is on the minus strand). VCF-style: chrX-136224853-T-C. GRCh37 (hg19) VCF-style: chrX-135307012-T-C.
Other names: c.2113A>G, p.Arg705Gly (NM_001173516.1); c.2062A>G, p.Arg688Gly (NM_001173517.2); short protein forms R688G, R705G, R723G.
Identifiers: ClinVar variation 3356997 (VCV003356997.1).
Genomic context (GRCh38, chrX:136,224,853, plus strand): 5'-TCTTATACACTGCTGGTAGGAGTATGGAGACTACCTTTGAGGCATTCACATCTGTCTTTC[T>C]TGTCCGCTTCATAATTTCTTCTATTCTCTATTTAAAGGAAAATAAAAATTCAAACATGAA-3'
Protein context (NP_078873.2, residues 713-733): KRIEEIMKRT[Arg723Gly]KTDVNASKVT